The following is an entry in ClinVar:

NM_001134363.3(RBM20):c.3523A>G (p.Thr1175Ala)

Gene: RBM20 (RNA binding motif protein 20; plus strand). Cytogenetic location: 10q25.2.
Variant type: single nucleotide variant.
Coding change: c.3523A>G on transcript NM_001134363.3 (MANE Select); coding-DNA position 3523, A replaced by G.
Protein change: p.Thr1175Ala; replaces threonine 1175 with alanine.
Molecular consequence: missense variant.
Genome position (GRCh38, 1-based): chr10:110,831,132, A>G. VCF-style: chr10-110831132-A-G. GRCh37 (hg19) VCF-style: chr10-112590890-A-G.
Other names: c.3523A>G (NM_001134363.1); short protein forms T1175A.
Identifiers: ClinVar variation 691726 (VCV000691726.20), dbSNP rs768548680, ClinGen allele CA5688797.

ClinVar aggregate classification (germline): Benign/Likely benign. Review status: criteria provided, multiple submitters, no conflicts (2 of 4 stars). 5 submissions from 5 submitters: Benign (1); Likely benign (4). Last evaluated 2026-08-01.

Conditions:
Dilated cardiomyopathy 1DD (CMD1DD). Identifiers: Orphanet 154, MedGen C2750995, MONDO:0013168, OMIM 613172.
Cardiovascular phenotype. Identifiers: MedGen CN230736.
Primary dilated cardiomyopathy (DCM). Also called: Dilated Cardiomyopathy. Identifiers: Orphanet 217604, MedGen C0007193, MeSH D002311, MONDO:0005021, HP:0001644. Inheritance: Various modes of inheritance.

Allele frequency attached by ClinVar (database versions not stated): ExAC 0.00005; gnomAD 0.00005; TOPMed 0.00009; 1000 Genomes Project 30x 0.00016; gnomAD exomes 0.00026.
gnomAD v4.1: 50 of 1,551,556 alleles (0.0032%); highest among the groups gnomAD compares: Admixed American, 0.098%; no homozygotes.

Submissions (5):

CeGaT Center for Human Genetics Tuebingen
Classification: Likely benign. Last evaluated: 2026-08-01. Review status: criteria provided, single submitter. Criteria: CeGaT Center For Human Genetics Tuebingen Variant Classification Criteria Version 2. Collection method: clinical testing. Allele origin: germline. Affected: yes. Observed: 4 variant alleles.
Comment: RBM20: BP4, BS1

Labcorp Genetics (formerly Invitae), Labcorp
Classification: Likely benign for Dilated cardiomyopathy 1DD. Last evaluated: 2026-01-22. Review status: criteria provided, single submitter. Criteria: Invitae Variant Classification Sherloc (09022015). Collection method: clinical testing. Allele origin: germline.

Ambry Genetics
Classification: Benign for Cardiovascular phenotype. Last evaluated: 2023-12-01. Review status: criteria provided, single submitter. Criteria: Ambry Variant Classification Scheme 2023. Collection method: clinical testing. Allele origin: germline.

ARUP Laboratories, Molecular Genetics and Genomics, ARUP Laboratories
Classification: Likely benign for Dilated cardiomyopathy 1DD. Last evaluated: 2023-09-28. Review status: criteria provided, single submitter. Criteria: ARUP Molecular Germline Variant Investigation Process 2024. Collection method: clinical testing. Allele origin: germline.

Center for Advanced Laboratory Medicine, UC San Diego Health, University of California San Diego
Classification: Likely benign for Dilated cardiomyopathy. Last evaluated: 2018-07-13. Review status: criteria provided, single submitter. Criteria: ACMG Guidelines, 2015. Collection method: clinical testing. Allele origin: germline. Affected: yes. Observed: 2 variant alleles.